The following is an entry in ClinVar:

NM_002187.3(IL12B):c.383_386del (p.Thr127_Phe128insTer)

Gene: IL12B (interleukin 12B; minus strand). Cytogenetic location: 5q33.3.
Variant type: Deletion.
Coding change: c.383_386del on transcript NM_002187.3 (MANE Select); coding-DNA positions 383 to 386, 4 bases deleted (TTCT; older notation c.383_386delTTCT).
Protein change: p.Thr127_Phe128insTer.
Molecular consequence: nonsense.
Genome position (GRCh38, 1-based): chr5:159,322,490-159,322,493, AGAA deleted on the plus strand (TTCT on the coding strand, the reverse complement: IL12B is on the minus strand); deleting any 4 consecutive bases within chr5:159,322,490-159,322,495 gives the same sequence; the c. name uses the placement nearest the transcript's 3' end. VCF-style (leftmost placement, unchanged base first): chr5-159322489-TAGAA-T. GRCh37 (hg19) VCF-style: chr5-158749497-TAGAA-T.
Identifiers: ClinVar variation 2859768 (VCV002859768.3), dbSNP rs867933096, ClinGen allele CA129828180.
Genomic context (GRCh38, chr5:159,322,489, plus strand): 5'-ACTGATTGTCGTCAGCCACCAGCAGGTGAAACGTCCAGAATAATTCTTGGCCTCGCATCT[TAGAA>T]AGGTCTTATTTTTGGGTTCTGGATTTGAAAAAAACAAAAATTCAATATTTAGGAGTTTTT-3'

ClinVar aggregate classification (germline): Pathogenic (1 of 4 stars; one submission).

Conditions:
Mendelian susceptibility to mycobacterial diseases due to complete IL12B deficiency. Also called: IL12B DEFICIENCY; Immunodeficiency 29. Identifiers: Orphanet 319558, MedGen C4013948, MONDO:0013954, OMIM 614890.

Submission:

Labcorp Genetics (formerly Invitae), Labcorp
Classification: Pathogenic for Mendelian susceptibility to mycobacterial diseases due to complete IL12B deficiency. Last evaluated: 2023-05-16. Review status: criteria provided, single submitter. Criteria: Invitae Variant Classification Sherloc (09022015). Collection method: clinical testing. Allele origin: germline.
Comment: This sequence change creates a premature translational stop signal (p.Phe128*) in the IL12B gene. It is expected to result in an absent or disrupted protein product. Loss-of-function variants in IL12B are known to be pathogenic (PMID: 11753820, 23429356). For these reasons, this variant has been classified as Pathogenic. This variant has not been reported in the literature in individuals affected with IL12B-related conditions. This variant is not present in population databases (gnomAD no frequency).

Literature cited by the submitters: PubMed 11753820; PubMed 23429356.